The following is an entry in ClinVar:

NM_006445.4(PRPF8):c.271G>T (p.Ala91Ser)

Gene: PRPF8 (pre-mRNA processing factor 8; minus strand). Cytogenetic location: 17p13.3.
Variant type: single nucleotide variant.
Coding change: c.271G>T on transcript NM_006445.4 (MANE Select); coding-DNA position 271, G replaced by T.
Protein change: p.Ala91Ser; replaces alanine 91 with serine.
Molecular consequence: missense variant.
Genome position (GRCh38, 1-based): chr17:1,682,292, C>A on the plus strand (G>T on the coding strand, the complement: PRPF8 is on the minus strand). VCF-style: chr17-1682292-C-A. GRCh37 (hg19) VCF-style: chr17-1585586-C-A.
Other names: short protein forms A91S.
Identifiers: ClinVar variation 967106 (VCV000967106.8), dbSNP rs760143576, ClinGen allele CA8272666.

ClinVar aggregate classification (germline): Uncertain significance. Review status: criteria provided, multiple submitters, no conflicts (2 of 4 stars). 2 submissions from 2 submitters: Uncertain significance (2). Last evaluated 2025-08-29.

Conditions:
PRPF8-related disorder. Also called: PRPF8-related condition.

Allele frequency attached by ClinVar (database versions not stated): gnomAD exomes below 0.00001; ExAC 0.00001; gnomAD 0.00003 and 0.00004; TOPMed 0.00003.
gnomAD v4.1: 6 of 1,613,928 alleles (0.00037%); highest among the groups gnomAD compares: African/African-American, 0.008%; no homozygotes.

Submissions (2):

PreventionGenetics, part of Exact Sciences
Classification: Uncertain significance for PRPF8-related condition. Last evaluated: 2025-08-29. Review status: criteria provided, single submitter. Criteria: ACMG Guidelines, 2015. Collection method: clinical testing. Allele origin: germline.
Comment: The PRPF8 c.271G>T variant is predicted to result in the amino acid substitution p.Ala91Ser. To our knowledge, this variant has not been reported in the literature. This variant is reported in 0.0080% of alleles in individuals of African descent in gnomAD. At this time, the clinical significance of this variant is uncertain due to the absence of conclusive functional and genetic evidence.

Labcorp Genetics (formerly Invitae), Labcorp
Classification: Uncertain significance. Last evaluated: 2022-12-10. Review status: criteria provided, single submitter. Criteria: Invitae Variant Classification Sherloc (09022015). Collection method: clinical testing. Allele origin: germline.
Comment: Algorithms developed to predict the effect of missense changes on protein structure and function are either unavailable or do not agree on the potential impact of this missense change (SIFT: "Deleterious"; PolyPhen-2: "Possibly Damaging"; Align-GVGD: "Class C0"). In summary, the available evidence is currently insufficient to determine the role of this variant in disease. Therefore, it has been classified as a Variant of Uncertain Significance. ClinVar contains an entry for this variant (Variation ID: 967106). This variant has not been reported in the literature in individuals affected with PRPF8-related conditions. This variant is present in population databases (rs760143576, gnomAD 0.008%). This sequence change replaces alanine, which is neutral and non-polar, with serine, which is neutral and polar, at codon 91 of the PRPF8 protein (p.Ala91Ser).